The following is an entry in ClinVar:

ClinVar aggregate classification (germline): Pathogenic (1 of 4 stars; one submission).

Submission:

Labcorp Genetics (formerly Invitae), Labcorp
Classification: Pathogenic. Last evaluated: 2023-12-20. Review status: criteria provided, single submitter. Criteria: Invitae Variant Classification Sherloc (09022015). Collection method: clinical testing. Allele origin: germline.
Comment: This sequence change creates a premature translational stop signal (p.His2202Ilefs*10) in the EYS gene. It is expected to result in an absent or disrupted protein product. Loss-of-function variants in EYS are known to be pathogenic (PMID: 18836446, 20333770). This variant is not present in population databases (gnomAD no frequency). This variant has not been reported in the literature in individuals affected with EYS-related conditions. For these reasons, this variant has been classified as Pathogenic.

Literature cited by the submitters: PubMed 18836446; PubMed 20333770.

NM_001142800.2(EYS):c.6604_6608del (p.His2202fs)

Gene: EYS (EGF-like photoreceptor maintenance factor; minus strand). Cytogenetic location: 6q12.
Variant type: Deletion.
Coding change: c.6604_6608del on transcript NM_001142800.2 (MANE Select); coding-DNA positions 6604 to 6608, 5 bases deleted (CATTT; older notation c.6604_6608delCATTT).
Protein change: p.His2202fs; shifts the reading frame from histidine 2202.
Molecular consequence: frameshift variant.
Genome position (GRCh38, 1-based): chr6:64,066,455-64,066,459, AAATG deleted on the plus strand (CATTT on the coding strand, the reverse complement: EYS is on the minus strand); deleting any 5 consecutive bases within chr6:64,066,455-64,066,461 gives the same sequence; the c. name uses the placement nearest the transcript's 3' end. VCF-style (leftmost placement, unchanged base first): chr6-64066454-TAAATG-T. GRCh37 (hg19) VCF-style: chr6-64776347-TAAATG-T.
Other names: c.6604_6608del, p.His2202fs (NM_001292009.2); short protein forms H2202fs.
Identifiers: ClinVar variation 2788077 (VCV002788077.3), dbSNP rs2533552579, ClinGen allele CA2679301164.